The following is an entry in ClinVar:

NM_080473.5(GATA5):c.522C>T (p.Phe174=)

Gene: GATA5 (GATA binding protein 5; minus strand). Cytogenetic location: 20q13.33.
Variant type: single nucleotide variant.
Coding change: c.522C>T on transcript NM_080473.5 (MANE Select); coding-DNA position 522, C replaced by T.
Protein change: p.Phe174=; no amino-acid change (phenylalanine 174 retained).
Molecular consequence: synonymous variant.
Genome position (GRCh38, 1-based): chr20:62,475,000, G>A on the plus strand (C>T on the coding strand, the complement: GATA5 is on the minus strand). VCF-style: chr20-62475000-G-A. GRCh37 (hg19) VCF-style: chr20-61050056-G-A.
Identifiers: ClinVar variation 2959819 (VCV002959819.3), dbSNP rs1014889761, ClinGen allele CA317288530.

ClinVar aggregate classification (germline): Uncertain significance (1 of 4 stars; one submission).

Allele frequency attached by ClinVar (database versions not stated): TOPMed 0.00004; gnomAD exomes below 0.00001; gnomAD 0.00002.

Submission:

Labcorp Genetics (formerly Invitae), Labcorp
Classification: Uncertain significance. Last evaluated: 2025-12-01. Review status: criteria provided, single submitter. Criteria: Invitae Variant Classification Sherloc (09022015). Collection method: clinical testing. Allele origin: germline.
Comment: This sequence change affects codon 174 of the GATA5 mRNA. It is a 'silent' change, meaning that it does not change the encoded amino acid sequence of the GATA5 protein. It affects a nucleotide within the consensus splice site. This variant is present in population databases (no rsID available, gnomAD 0.01%). This variant has not been reported in the literature in individuals affected with GATA5-related conditions. ClinVar contains an entry for this variant (Variation ID: 2959819). Algorithms developed to predict the effect of sequence changes on RNA splicing suggest that this variant is not likely to affect RNA splicing. In summary, the available evidence is currently insufficient to determine the role of this variant in disease. Therefore, it has been classified as a Variant of Uncertain Significance.